The following is an entry in ClinVar:

ClinVar aggregate classification (germline): Uncertain significance (1 of 4 stars; one submission).

Conditions:
Cardiomyopathy (CMYO). Also called: Cardiomyopathies. Identifiers: Orphanet 167848, MedGen C0878544, MONDO:0004994, HP:0001638. Inheritance: Various modes of inheritance.

gnomAD v4.1: 2 of 1,611,452 alleles (0.00012%); highest among the groups gnomAD compares: Non-Finnish European, 0.00017%; no homozygotes.

Submission:

Color Diagnostics, LLC DBA Color Health
Classification: Uncertain significance for Cardiomyopathy. Last evaluated: 2025-08-30. Review status: criteria provided, single submitter. Criteria: ACMG Guidelines, 2015. Collection method: clinical testing. Allele origin: germline.
Comment: This missense variant replaces glycine with glutamic acid at codon 3484 of the RYR2 protein. Computational prediction is inconclusive regarding the impact of this variant on protein structure and function. To our knowledge, functional studies have not been reported for this variant. This variant has not been reported in individuals affected with RYR2-related disorders in the literature. This variant has been identified in 1/247212 chromosomes in the general population by the Genome Aggregation Database (gnomAD). The available evidence is insufficient to determine the role of this variant in disease conclusively. Therefore, this variant is classified as a Variant of Uncertain Significance.

NM_001035.3(RYR2):c.10451G>A (p.Gly3484Glu)

Gene: RYR2 (ryanodine receptor 2; plus strand). Cytogenetic location: 1q43.
Variant type: single nucleotide variant.
Coding change: c.10451G>A on transcript NM_001035.3 (MANE Select); coding-DNA position 10451, G replaced by A.
Protein change: p.Gly3484Glu; replaces glycine 3484 with glutamic acid.
Molecular consequence: missense variant.
Genome position (GRCh38, 1-based): chr1:237,717,325, G>A. VCF-style: chr1-237717325-G-A. GRCh37 (hg19) VCF-style: chr1-237880625-G-A.
Other names: short protein forms G3484E.
Identifiers: ClinVar variation 4757997 (VCV004757997.1).